The following is an entry in ClinVar:

NM_001033046.4(CYBC1):c.444-20_444-19delinsTA

Gene: CYBC1 (cytochrome b-245 chaperone 1; minus strand). Cytogenetic location: 17q25.3.
Variant type: Indel.
Coding change: c.444-20_444-19delinsTA on transcript NM_001033046.4 (MANE Select); 20 bases into the intron before coding-DNA position 444 through 19 bases into the intron before coding-DNA position 444, CC replaced by TA.
Molecular consequence: intron variant.
Genome position (GRCh38, 1-based): chr17:82,444,143-82,444,144, GG replaced by TA on the plus strand (CC replaced by TA on the coding strand, the reverse complement: CYBC1 is on the minus strand). VCF-style: chr17-82444143-GG-TA. GRCh37 (hg19) VCF-style: chr17-80402019-GG-TA.
Other names: c.402-20_402-19delinsTA (NM_001100408.3); c.444-20_444-19delinsTA (NM_001100407.3, NM_001193657.2, NM_001193654.2 and 2 more transcripts).
Identifiers: ClinVar variation 1682698 (VCV001682698.6), dbSNP rs2143686113, ClinGen allele CA2573155014.

ClinVar aggregate classification (germline): Uncertain significance (1 of 4 stars; one submission).

Submission:

Labcorp Genetics (formerly Invitae), Labcorp
Classification: Uncertain significance. Last evaluated: 2025-10-02. Review status: criteria provided, single submitter. Criteria: Invitae Variant Classification Sherloc (09022015). Collection method: clinical testing. Allele origin: germline.
Comment: This sequence change falls in intron 6 of the C17orf62 gene. It does not directly change the encoded amino acid sequence of the C17orf62 protein. Information on the frequency of this variant in the gnomAD database is not available, as this variant may be reported differently in the database. This variant has not been reported in the literature in individuals affected with C17orf62-related conditions. ClinVar contains an entry for this variant (Variation ID: 1682698). In summary, the available evidence is currently insufficient to determine the role of this variant in disease. Therefore, it has been classified as a Variant of Uncertain Significance.